The following is an entry in ClinVar:

NM_000059.4(BRCA2):c.21G>C (p.Glu7Asp)

Gene: BRCA2 (BRCA2 DNA repair associated; plus strand). Cytogenetic location: 13q13.1.
Variant type: single nucleotide variant.
Coding change: c.21G>C on transcript NM_000059.4 (MANE Select); coding-DNA position 21, G replaced by C.
Protein change: p.Glu7Asp; replaces glutamic acid 7 with aspartic acid.
Molecular consequence: missense variant.
Genome position (GRCh38, 1-based): chr13:32,316,481, G>C. VCF-style: chr13-32316481-G-C. GRCh37 (hg19) VCF-style: chr13-32890618-G-C.
Other names: short protein forms E7D.
Identifiers: ClinVar variation 820873 (VCV000820873.6), dbSNP rs1593880678, ClinGen allele CA387752958.

ClinVar aggregate classification (germline): Uncertain significance. Review status: criteria provided, multiple submitters, no conflicts (2 of 4 stars). 2 submissions from 2 submitters: Uncertain significance (2). Last evaluated 2025-08-25.

Conditions:
Hereditary cancer-predisposing syndrome. Also called: Hereditary Cancer Syndrome; Neoplastic Syndromes, Hereditary; Hereditary neoplastic syndrome; Tumor predisposition. Identifiers: Orphanet 140162, MedGen C0027672, MeSH D009386, MONDO:0015356.
Breast-ovarian cancer, familial, susceptibility to, 2 (BROVCA2). Also called: BRCA2 Hereditary Breast and Ovarian Cancer. Identifiers: Orphanet 145, MedGen C2675520, MONDO:0012933, OMIM 612555. Disease mechanism: loss of function.

Submissions (2):

Ambry Genetics
Classification: Uncertain significance for Hereditary cancer-predisposing syndrome. Last evaluated: 2025-08-25. Review status: criteria provided, single submitter. Criteria: Ambry Variant Classification Scheme 2023. Collection method: clinical testing. Allele origin: germline.
Comment: The p.E7D variant (also known as c.21G>C), located in coding exon 1 of the BRCA2 gene, results from a G to C substitution at nucleotide position 21. The glutamic acid at codon 7 is replaced by aspartic acid, an amino acid with highly similar properties. This amino acid position is well conserved in available vertebrate species. In addition, this alteration is predicted to be tolerated by in silico analysis. Since supporting evidence is limited at this time, the clinical significance of this alteration remains unclear.

All of Us Research Program, National Institutes of Health
Classification: Uncertain significance for Breast-ovarian cancer, familial, susceptibility to, 2. Last evaluated: 2023-08-15. Review status: criteria provided, single submitter. Criteria: ACMG Guidelines, 2015. Collection method: clinical testing. Allele origin: germline. Inheritance: Autosomal dominant inheritance. Observed: 1 variant allele, 1 heterozygote.
Comment: This missense variant replaces glutamic acid with aspartic acid at codon 7 of the BRCA2 protein. Computational prediction suggests that this variant may not impact protein structure and function (internally defined REVEL score threshold <= 0.5, PMID: 27666373). To our knowledge, functional studies have not been reported for this variant. This variant has not been reported in individuals affected with BRCA2-related disorders in the literature. This variant has not been identified in the general population by the Genome Aggregation Database (gnomAD). The available evidence is insufficient to determine the role of this variant in disease conclusively. Therefore, this variant is classified as a Variant of Uncertain Significance.

This study involves interpretation of variants in research participants for the purpose of population health screening. Participant phenotype was not available at the time of variant classification. Additional details can be found in publication PMID: 35346344, PMCID: PMC8962531